The following is an entry in ClinVar:

NM_000135.4(FANCA):c.2783C>T (p.Thr928Ile)

Gene: FANCA (FA complementation group A; minus strand). Cytogenetic location: 16q24.3.
Variant type: single nucleotide variant.
Coding change: c.2783C>T on transcript NM_000135.4 (MANE Select); coding-DNA position 2783, C replaced by T.
Protein change: p.Thr928Ile; replaces threonine 928 with isoleucine.
Molecular consequence: missense variant.
Genome position (GRCh38, 1-based): chr16:89,762,018, G>A on the plus strand (C>T on the coding strand, the complement: FANCA is on the minus strand). VCF-style: chr16-89762018-G-A. GRCh37 (hg19) VCF-style: chr16-89828426-G-A.
Other names: c.2783C>T, p.Thr928Ile (NM_001286167.3); short protein forms T928I.
Identifiers: ClinVar variation 4619220 (VCV004619220.1).
Genomic context (GRCh38, chr16:89,762,018, plus strand): 5'-TCTGAAAGAGCATCAGCTTCAGGTTGAATTTCCAGCTCCAGGTGTAACCAGTCTTGGTAA[G>A]TTAACTGAGAAAGAGAGCAAGCAATTCAATACAATGAGGACAGAACACACAATCCACCGA-3'
Protein context (NP_000126.2, residues 918-938): EVLKEEDVHL[Thr928Ile]YQDWLHLELE

ClinVar aggregate classification (germline): Uncertain significance (1 of 4 stars; one submission).

Conditions:
Inborn genetic diseases. Identifiers: MedGen C0950123, MeSH D030342.

Submission:

Ambry Genetics
Classification: Uncertain significance for Inborn genetic diseases. Last evaluated: 2025-10-22. Review status: criteria provided, single submitter. Criteria: Ambry Variant Classification Scheme 2023. Collection method: clinical testing. Allele origin: germline.
Comment: The p.T928I variant (also known as c.2783C>T), located in coding exon 29 of the FANCA gene, results from a C to T substitution at nucleotide position 2783. The threonine at codon 928 is replaced by isoleucine, an amino acid with similar properties. This amino acid position is conserved. In addition, the in silico prediction for this alteration is inconclusive. Based on the available evidence, the clinical significance of this variant remains unclear.